The following is an entry in ClinVar:

ClinVar aggregate classification (germline): Likely benign. Review status: criteria provided, multiple submitters, no conflicts (2 of 4 stars). 5 submissions from 5 submitters: Likely benign (4). 1 of the submissions does not count toward it. Last evaluated 2025-10-28.

Conditions:
TNXB-related disorder. Also called: TNXB-related condition.
Cardiovascular phenotype. Identifiers: MedGen CN230736.

Allele frequency attached by ClinVar (database versions not stated): gnomAD exomes 0.00006 and 0.00025; ExAC 0.00007; TOPMed 0.00011; gnomAD 0.00015 and 0.00017; ESP Exome Variant Server 0.00026.
gnomAD v4.1: 379 of 1,609,124 alleles (0.024%); highest among the groups gnomAD compares: Non-Finnish European, 0.03%; no homozygotes.

Submissions (5):

Women's Health and Genetics/Laboratory Corporation of America, LabCorp
Classification: Likely benign. Last evaluated: 2025-10-28. Review status: criteria provided, single submitter. Criteria: LabCorp Variant Classification Summary - May 2015. Collection method: clinical testing. Allele origin: germline.

Labcorp Genetics (formerly Invitae), Labcorp
Classification: Likely benign. Last evaluated: 2025-09-19. Review status: criteria provided, single submitter. Criteria: Invitae Variant Classification Sherloc (09022015). Collection method: clinical testing. Allele origin: germline.

Ambry Genetics
Classification: Likely benign for Cardiovascular phenotype. Last evaluated: 2021-08-12. Review status: criteria provided, single submitter. Criteria: Ambry Variant Classification Scheme 2023. Collection method: clinical testing. Allele origin: germline.

GeneDx
Classification: Likely benign. Last evaluated: 2019-10-14. Review status: criteria provided, single submitter. Criteria: GeneDx Variant Classification Process June 2021. Collection method: clinical testing. Allele origin: germline. Affected: yes.

PreventionGenetics, part of Exact Sciences
Classification: Likely benign for TNXB-related condition. Last evaluated: 2019-03-14. Review status: no assertion criteria provided. Collection method: clinical testing. Allele origin: germline. Not counted in ClinVar's aggregate classification.
Comment: This variant is classified as likely benign based on ACMG/AMP sequence variant interpretation guidelines (Richards et al. 2015 PMID: 25741868, with internal and published modifications).

NM_001365276.2(TNXB):c.4656C>T (p.Gly1552=)

Gene: TNXB (tenascin XB; minus strand). Cytogenetic location: 6p21.33.
Variant type: single nucleotide variant.
Coding change: c.4656C>T on transcript NM_001365276.2 (MANE Select); coding-DNA position 4656, C replaced by T.
Protein change: p.Gly1552=; no amino-acid change (glycine 1552 retained).
Molecular consequence: synonymous variant.
Genome position (GRCh38, 1-based): chr6:32,073,672, G>A on the plus strand (C>T on the coding strand, the complement: TNXB is on the minus strand). VCF-style: chr6-32073672-G-A. GRCh37 (hg19) VCF-style: chr6-32041449-G-A.
Other names: c.4656C>T, p.Gly1552= (NM_019105.8).
Identifiers: ClinVar variation 1187399 (VCV001187399.8), dbSNP rs377485405, ClinGen allele CA3734915.